The following is an entry in ClinVar:

NM_014679.5(CEP57):c.1297C>A (p.Gln433Lys)

Gene: CEP57 (centrosomal protein 57; plus strand). Cytogenetic location: 11q21.
Variant type: single nucleotide variant.
Coding change: c.1297C>A on transcript NM_014679.5 (MANE Select); coding-DNA position 1297, C replaced by A.
Protein change: p.Gln433Lys; replaces glutamine 433 with lysine.
Molecular consequence: missense variant.
Genome position (GRCh38, 1-based): chr11:95,831,050, C>A. VCF-style: chr11-95831050-C-A. GRCh37 (hg19) VCF-style: chr11-95564214-C-A.
Other names: c.1270C>A, p.Gln424Lys (NM_001243776.2); c.1219C>A, p.Gln407Lys (NM_001243777.2); c.1216C>A, p.Gln406Lys (NM_001363604.2, NM_001440869.1, NM_001440870.1); c.1189C>A, p.Gln397Lys (NM_001440871.1); c.1180C>A, p.Gln394Lys (NM_001440872.1); c.1117C>A, p.Gln373Lys (NM_001440873.1); c.1111C>A, p.Gln371Lys (NM_001440874.1); c.1108C>A, p.Gln370Lys (NM_001440875.1); and 6 more; short protein forms Q332K, Q334K, Q346K, Q358K, Q367K, Q368K, Q370K, Q371K.
Identifiers: ClinVar variation 4868759 (VCV004868759.1).

ClinVar aggregate classification (germline): Uncertain significance (1 of 4 stars; one submission).

Conditions:
Inborn genetic diseases. Identifiers: MedGen C0950123, MeSH D030342.

Submission:

Ambry Genetics
Classification: Uncertain significance for Inborn genetic diseases. Last evaluated: 2026-04-20. Review status: criteria provided, single submitter. Criteria: Ambry Variant Classification Scheme 2023. Collection method: clinical testing. Allele origin: germline.
Comment: The p.Q433K variant (also known as c.1297C>A), located in coding exon 11 of the CEP57 gene, results from a C to A substitution at nucleotide position 1297. The glutamine at codon 433 is replaced by lysine, an amino acid with similar properties. This amino acid position is conserved. In addition, this alteration is predicted to be tolerated by in silico analysis. Based on the available evidence, the clinical significance of this variant remains unclear.